The following is an entry in ClinVar:

ClinVar aggregate classification (germline): Pathogenic. Review status: reviewed by expert panel (3 of 4 stars). 5 submissions from 5 submitters: Pathogenic (1). 4 of the submissions do not count toward it. Last evaluated 2016-10-18.

Conditions:
Hereditary cancer-predisposing syndrome. Also called: Tumor predisposition; Hereditary neoplastic syndrome; Neoplastic Syndromes, Hereditary; Hereditary Cancer Syndrome. Identifiers: Orphanet 140162, MedGen C0027672, MeSH D009386, MONDO:0015356.
Breast neoplasm. Also called: Neoplasm of breast; Breast tumor; Neoplasm of the breast; Breast Neoplasms. Identifiers: MedGen C1458155, MeSH D001943, MONDO:0021100, HP:0100013. Disease mechanism: gain of function.
Hereditary breast ovarian cancer syndrome. Also called: Hereditary breast and ovarian cancer; BRCA1- and BRCA2-Associated Hereditary Breast and Ovarian Cancer; Hereditary breast and/or ovarian cancer syndrome; Hereditary breast and ovarian cancer syndrome; Hereditary breast and ovarian cancer syndrome (HBOC); Breast and ovarian cancer. Identifiers: Orphanet 145, MedGen C0677776, MeSH D061325, MONDO:0003582. Disease mechanism: loss of function.
Breast-ovarian cancer, familial, susceptibility to, 2 (BROVCA2). Also called: BRCA2 Hereditary Breast and Ovarian Cancer. Identifiers: Orphanet 145, MedGen C2675520, MONDO:0012933, OMIM 612555. Disease mechanism: loss of function.

Submissions (5):

Evidence-based Network for the Interpretation of Germline Mutant Alleles (ENIGMA)
Classification: Pathogenic for Breast-ovarian cancer, familial, susceptibility to, 2. Last evaluated: 2016-10-18. Review status: reviewed by expert panel. Criteria: ENIGMA BRCA1/2 Classification Criteria (2015). Collection method: curation. Allele origin: germline.
Comment: Variant allele predicted to encode a truncated non-functional protein.

Labcorp Genetics (formerly Invitae), Labcorp
Classification: Pathogenic for Hereditary breast ovarian cancer syndrome. Last evaluated: 2025-05-05. Review status: criteria provided, single submitter. Criteria: Invitae Variant Classification Sherloc (09022015). Collection method: clinical testing. Allele origin: germline. Not counted in ClinVar's aggregate classification.
Comment: This sequence change creates a premature translational stop signal (p.Asn54Thrfs*26) in the BRCA2 gene. It is expected to result in an absent or disrupted protein product. Loss-of-function variants in BRCA2 are known to be pathogenic (PMID: 20104584). This variant is not present in population databases (gnomAD no frequency). This premature translational stop signal has been observed in individual(s) with breast cancer (PMID: 27257965). ClinVar contains an entry for this variant (Variation ID: 224438). Algorithms developed to predict the effect of sequence changes on RNA splicing suggest that this variant may disrupt the consensus splice site. For these reasons, this variant has been classified as Pathogenic.

Ambry Genetics
Classification: Pathogenic for Hereditary cancer-predisposing syndrome. Last evaluated: 2017-06-01. Review status: criteria provided, single submitter. Criteria: Ambry Variant Classification Scheme 2023. Collection method: clinical testing. Allele origin: germline. Not counted in ClinVar's aggregate classification.
Comment: The c.161delA pathogenic mutation, located in coding exon 2 of the BRCA2 gene, results from a deletion of one nucleotide at nucleotide position 161, causing a translational frameshift with a predicted alternate stop codon (p.N54Tfs*26). This mutation was previously identified in 1/507 unselected Chinese breast cancer patients (Zhong X et al. PLoS ONE. 2016 Jun;11:e0156789). In addition to the clinical data presented in the literature, this alteration is expected to result in loss of function by premature protein truncation or nonsense-mediated mRNA decay. As such, this alteration is interpreted as a disease-causing mutation.

Laboratory of Molecular Diagnosis of Cancer, West China Hospital, Sichuan University
Classification: Pathogenic for Breast neoplasm. Last evaluated: 2015-11-01. Review status: criteria provided, single submitter. Criteria: ACMG Guidelines, 2015. Collection method: research. Allele origin: germline. Affected: yes. Observed: 1 variant allele. Not counted in ClinVar's aggregate classification.

Consortium of Investigators of Modifiers of BRCA1/2 (CIMBA), c/o University of Cambridge
Classification: Pathogenic for Breast-ovarian cancer, familial, susceptibility to, 2. Last evaluated: 2015-10-02. Review status: criteria provided, single submitter. Criteria: CIMBA Mutation Classification guidelines May 2016. Collection method: clinical testing. Allele origin: germline. Not counted in ClinVar's aggregate classification.

Literature cited by the submitters: PubMed 20104584 (cited by Labcorp Genetics (formerly Invitae), Labcorp); PubMed 27257965 (cited by 3 submitters).

NM_000059.4(BRCA2):c.161del (p.Asn54fs)

Gene: BRCA2 (BRCA2 DNA repair associated; plus strand). Cytogenetic location: 13q13.1.
Variant type: Deletion.
Coding change: c.161del on transcript NM_000059.4 (MANE Select); coding-DNA position 161, one base deleted (A; older notation c.161delA).
Protein change: p.Asn54fs; shifts the reading frame from asparagine 54.
Molecular consequence: frameshift variant.
Genome position (GRCh38, 1-based): chr13:32,319,170, A deleted; the last of 5 consecutive A bases (chr13:32,319,166-32,319,170); deleting any one gives the same sequence. VCF-style (leftmost placement, unchanged base first): chr13-32319165-TA-T. GRCh37 (hg19) VCF-style: chr13-32893302-TA-T.
Other names: 0389delA-ter79; c.161delA (NM_000059.3).
Identifiers: ClinVar variation 224438 (VCV000224438.14), dbSNP rs878853297, ClinGen allele CA10575903.